The following is an entry in ClinVar:

ClinVar aggregate classification (germline): other (0 of 4 stars; one submission).

Conditions:
Familial colorectal cancer. Identifiers: MedGen CN280943, MONDO:0023113. Disease mechanism: loss of function.

Submission:

Systems Biology Platform Zhejiang California International NanoSystems Institute
Classification: other for Familial colorectal cancer. Review status: no assertion criteria provided. Collection method: not provided. Allele origin: unknown.
ClinVar note: Converted during submission from cancer to other.

NM_000038.6(APC):c.136-4681G>T

Gene: APC (APC regulator of WNT signaling pathway; plus strand). Cytogenetic location: 5q22.2.
Variant type: single nucleotide variant.
Coding change: c.136-4681G>T on transcript NM_000038.6 (MANE Select); 4681 bases into the intron before coding-DNA position 136, G replaced by T.
Molecular consequence: intron variant.
Genome position (GRCh38, 1-based): chr5:112,761,645, G>T. VCF-style: chr5-112761645-G-T. GRCh37 (hg19) VCF-style: chr5-112097342-G-T.
Other names: c.136-4681G>T (NM_001354895.2, NM_001127510.3, NM_001354896.2 and 2 more transcripts); c.166-4681G>T (NM_001354897.2, NM_001354902.2, NM_001127511.3); c.61-4681G>T (NM_001354898.2, NM_001354904.2); c.-900-4681G>T (NM_001354906.2); c.-42-4681G>T (NM_001354900.2, NM_001354901.2, NM_001354905.2).
Identifiers: ClinVar variation 82842 (VCV000082842.2), dbSNP rs75740764, ClinGen allele CA004757.
Genomic context (GRCh38, chr5:112,761,645, plus strand): 5'-TCAAACTGAAGCACAGAGAAAAAAATGGAAAAAACAAAAAAGACAAAACAATGGCTTCTA[G>T]AAGAAAACATAGGTAATAGCTTCTTGTCCTGGGAGTAGGCAAAGATGTCTTAAACAGAAT-3'